The following is an entry in ClinVar:

ClinVar aggregate classification (germline): Uncertain significance (1 of 4 stars; one submission).

Conditions:
Dilated cardiomyopathy 1HH (CMD1HH). Identifiers: Orphanet 154, MedGen C3151293, MONDO:0013479, OMIM 613881.
Myofibrillar myopathy 6. Identifiers: Orphanet 199340, MedGen C2751831, MONDO:0013061, OMIM 612954.

Allele frequency attached by ClinVar (database versions not stated): gnomAD exomes below 0.00001; TOPMed 0.00002.

Submission:

Labcorp Genetics (formerly Invitae), Labcorp
Classification: Uncertain significance for Dilated cardiomyopathy 1HH; Myofibrillar myopathy 6. Last evaluated: 2024-12-16. Review status: criteria provided, single submitter. Criteria: Invitae Variant Classification Sherloc (09022015). Collection method: clinical testing. Allele origin: germline.
Comment: This variant, c.462_464dup, results in the insertion of 1 amino acid(s) of the BAG3 protein (p.Ala160dup), but otherwise preserves the integrity of the reading frame. This variant is not present in population databases (gnomAD no frequency). This variant has not been reported in the literature in individuals affected with BAG3-related conditions. ClinVar contains an entry for this variant (Variation ID: 968812). Experimental studies and prediction algorithms are not available or were not evaluated, and the functional significance of this variant is currently unknown. In summary, the available evidence is currently insufficient to determine the role of this variant in disease. Therefore, it has been classified as a Variant of Uncertain Significance.

NM_004281.4(BAG3):c.462_464dup (p.Ala160dup)

Gene: BAG3 (BAG cochaperone 3; plus strand). Cytogenetic location: 10q26.11.
Variant type: Duplication.
Coding change: c.462_464dup on transcript NM_004281.4 (MANE Select); coding-DNA positions 462 to 464, 3 bases duplicated (GGC; older notation c.462_464dupGGC).
Protein change: p.Ala160dup; duplicates alanine 160.
Molecular consequence: inframe insertion.
Genome position (GRCh38, 1-based): chr10:119,670,132-119,670,134, GGC duplicated. VCF-style (leftmost placement, unchanged base first): chr10-119670131-T-TGGC. GRCh37 (hg19) VCF-style: chr10-121429643-T-TGGC.
Identifiers: ClinVar variation 968812 (VCV000968812.8), dbSNP rs1339191406, ClinGen allele CA660663473.